The following is an entry in ClinVar:

ClinVar aggregate classification (germline): Uncertain significance. Review status: criteria provided, multiple submitters, no conflicts (2 of 4 stars). 6 submissions from 6 submitters: Uncertain significance (5). 1 of the submissions does not count toward it. Last evaluated 2026-08-31.

Conditions:
ELP1-related disorder. Also called: ELP1-related condition.
Medulloblastoma (MDB). Also called: Medulloblastoma, somatic; MEDULLOBLASTOMA PREDISPOSITION SYNDROME. Identifiers: Orphanet 616, MedGen C0025149, MeSH D008527, MONDO:0007959, OMIM 155255, HP:0002885.
Familial dysautonomia. Also called: FD; HSAN III. Identifiers: Orphanet 1764, MedGen C0013364, MONDO:0009131, OMIM 223900. Disease mechanism: loss of function.

Allele frequency attached by ClinVar (database versions not stated): ExAC 0.00002; gnomAD 0.00011 and 0.00012; TOPMed 0.00028; 1000 Genomes Project 0.00040; 1000 Genomes Project 30x 0.00062.

Submissions (6):

PreventionGenetics, part of Exact Sciences
Classification: Uncertain significance for ELP1-related condition. Last evaluated: 2026-08-31. Review status: criteria provided, single submitter. Criteria: ACMG Guidelines, 2015. Collection method: clinical testing. Allele origin: germline.
Comment: The ELP1 c.2498A>C variant is predicted to result in the amino acid substitution p.His833Pro. To our knowledge, this variant has not been reported in the literature. This variant is reported in 0.024% of alleles in individuals of African descent in gnomAD. At this time, the clinical significance of this variant is uncertain due to the absence of conclusive functional and genetic evidence.

Ambry Genetics
Classification: Uncertain significance. Last evaluated: 2025-09-01. Review status: criteria provided, single submitter. Criteria: Ambry Variant Classification Scheme 2023. Collection method: clinical testing. Allele origin: germline.

Labcorp Genetics (formerly Invitae), Labcorp
Classification: Uncertain significance. Last evaluated: 2024-12-22. Review status: criteria provided, single submitter. Criteria: Invitae Variant Classification Sherloc (09022015). Collection method: clinical testing. Allele origin: germline.
Comment: This sequence change replaces histidine, which is basic and polar, with proline, which is neutral and non-polar, at codon 833 of the ELP1 protein (p.His833Pro). This variant is present in population databases (rs201714373, gnomAD 0.02%). This variant has not been reported in the literature in individuals affected with ELP1-related conditions. ClinVar contains an entry for this variant (Variation ID: 965089). Invitae Evidence Modeling of protein sequence and biophysical properties (such as structural, functional, and spatial information, amino acid conservation, physicochemical variation, residue mobility, and thermodynamic stability) indicates that this missense variant is not expected to disrupt ELP1 protein function with a negative predictive value of 80%. In summary, the available evidence is currently insufficient to determine the role of this variant in disease. Therefore, it has been classified as a Variant of Uncertain Significance.

St. Jude Molecular Pathology, St. Jude Children's Research Hospital
Classification: Uncertain significance for Medulloblastoma. Last evaluated: 2023-07-06. Review status: criteria provided, single submitter. Criteria: St. Jude Assertion Criteria 2020. Collection method: clinical testing. Allele origin: germline.
Comment: The ELP1 c.2498A>C (p.His833Pro) missense change has a maximum subpopulation frequency of 0.024% in gnomAD v2.1.1. The in silico tool REVEL predicts a benign effect on protein function, but to our knowledge this prediction has not been confirmed by functional studies. To our knowledge, this variant has not been reported in individuals with a personal or family history of medulloblastoma. In summary, the evidence currently available is insufficient to determine the clinical significance of this variant. It has therefore been classified as of uncertain significance.

Fulgent Genetics
Classification: Uncertain significance for Medulloblastoma; Familial dysautonomia. Last evaluated: 2022-04-15. Review status: criteria provided, single submitter. Criteria: ACMG Guidelines, 2015. Collection method: clinical testing. Allele origin: unknown.

Natera, Inc.
Classification: Uncertain significance for Familial dysautonomia. Last evaluated: 2020-08-21. Review status: no assertion criteria provided. Collection method: clinical testing. Allele origin: germline. Not counted in ClinVar's aggregate classification.

NM_003640.5(ELP1):c.2498A>C (p.His833Pro)

Gene: ELP1 (elongator acetyltransferase complex subunit 1; minus strand). Cytogenetic location: 9q31.3.
Variant type: single nucleotide variant.
Coding change: c.2498A>C on transcript NM_003640.5 (MANE Select); coding-DNA position 2498, A replaced by C.
Protein change: p.His833Pro; replaces histidine 833 with proline.
Molecular consequence: missense variant.
Genome position (GRCh38, 1-based): chr9:108,897,151, T>G on the plus strand (A>C on the coding strand, the complement: ELP1 is on the minus strand). VCF-style: chr9-108897151-T-G. GRCh37 (hg19) VCF-style: chr9-111659431-T-G.
Other names: c.2498A>C (NM_003640.4); c.2156A>C, p.His719Pro (NM_001318360.2); c.1451A>C, p.His484Pro (NM_001330749.2); short protein forms H484P, H833P, H719P.
Identifiers: ClinVar variation 965089 (VCV000965089.11), dbSNP rs201714373, ClinGen allele CA5174636.